The following is an entry in ClinVar:

NM_005633.4(SOS1):c.809C>G (p.Thr270Arg)

Gene: SOS1 (SOS Ras/Rac guanine nucleotide exchange factor 1; minus strand). Cytogenetic location: 2p22.1.
Variant type: single nucleotide variant.
Coding change: c.809C>G on transcript NM_005633.4 (MANE Select); coding-DNA position 809, C replaced by G.
Protein change: p.Thr270Arg; replaces threonine 270 with arginine.
Molecular consequence: missense variant.
Genome position (GRCh38, 1-based): chr2:39,051,199, G>C on the plus strand (C>G on the coding strand, the complement: SOS1 is on the minus strand). VCF-style: chr2-39051199-G-C. GRCh37 (hg19) VCF-style: chr2-39278340-G-C.
Other names: c.788C>G, p.Thr263Arg (NM_001382394.1); c.809C>G, p.Thr270Arg (NM_001382395.1); short protein forms T263R, T270R.
Identifiers: ClinVar variation 981560 (VCV000981560.7), dbSNP rs1671005154, ClinGen allele CA346367663.

ClinVar aggregate classification (germline): Uncertain significance. Review status: criteria provided, multiple submitters, no conflicts (2 of 4 stars). 4 submissions from 4 submitters: Uncertain significance (2). 2 of the submissions do not count toward it. Last evaluated 2025-11-16.

Conditions:
SOS1-related disorder. Also called: SOS1-related condition.
RASopathy. Also called: Noonan spectrum disorder; rasopathies. Identifiers: Orphanet 536391, MedGen C5555857, MONDO:0021060.
Noonan syndrome (NS). Also called: Noonan's syndrome. Identifiers: Orphanet 648, MedGen C0028326, MeSH D009634, MONDO:0018997. Disease mechanism: gain of function.

Allele frequency attached by ClinVar (database versions not stated): gnomAD exomes below 0.00001; TOPMed below 0.00001.
gnomAD v4.1: 1 of 1,613,404 alleles (0.000062%); highest among the groups gnomAD compares: South Asian, 0.0011%; no homozygotes.

Submissions (4):

Labcorp Genetics (formerly Invitae), Labcorp
Classification: Uncertain significance for RASopathy. Last evaluated: 2025-11-16. Review status: criteria provided, single submitter. Criteria: Invitae Variant Classification Sherloc (09022015). Collection method: clinical testing. Allele origin: germline.
Comment: This sequence change replaces threonine, which is neutral and polar, with arginine, which is basic and polar, at codon 270 of the SOS1 protein (p.Thr270Arg). This variant is not present in population databases (gnomAD no frequency). This variant has not been reported in the literature in individuals affected with SOS1-related conditions. ClinVar contains an entry for this variant (Variation ID: 981560). Invitae Evidence Modeling of protein sequence and biophysical properties (such as structural, functional, and spatial information, amino acid conservation, physicochemical variation, residue mobility, and thermodynamic stability) indicates that this missense variant is expected to disrupt SOS1 protein function with a positive predictive value of 95%. In summary, the available evidence is currently insufficient to determine the role of this variant in disease. Therefore, it has been classified as a Variant of Uncertain Significance.

Revvity Omics, Revvity
Classification: Uncertain significance. Last evaluated: 2021-03-07. Review status: criteria provided, single submitter. Criteria: ACMG Guidelines, 2015. Collection method: clinical testing. Allele origin: germline.

PreventionGenetics, part of Exact Sciences
Classification: Uncertain significance for SOS1-related condition. Last evaluated: 2024-08-20. Review status: no assertion criteria provided. Collection method: clinical testing. Allele origin: germline. Not counted in ClinVar's aggregate classification.
Comment: The SOS1 c.809C>G variant is predicted to result in the amino acid substitution p.Thr270Arg. To our knowledge, this variant has not been reported in the literature or in a large population database, indicating this variant is rare. At this time, the clinical significance of this variant is uncertain due to the absence of conclusive functional and genetic evidence.

Service de Génétique Moléculaire, Hôpital Robert Debré
Classification: Uncertain significance for Noonan syndrome. Review status: no assertion criteria provided. Collection method: clinical testing. Allele origin: unknown. Affected: yes. Not counted in ClinVar's aggregate classification.